The following is an entry in ClinVar:

NM_001191061.2(SLC25A22):c.4del (p.Ala2fs)

Gene: SLC25A22 (solute carrier family 25 member 22; minus strand). Cytogenetic location: 11p15.5.
Variant type: Deletion.
Coding change: c.4del on transcript NM_001191061.2 (MANE Select); coding-DNA position 4, one base deleted (G; older notation c.4delG).
Protein change: p.Ala2fs; shifts the reading frame from alanine 2.
Molecular consequence: frameshift variant, initiator codon variant. On other transcripts: 5 prime UTR variant (1).
Genome position (GRCh38, 1-based): chr11:795,003, C deleted on the plus strand (G on the coding strand, the reverse complement: SLC25A22 is on the minus strand); the first of 2 consecutive C bases (chr11:795,003-795,004); deleting either gives the same sequence. VCF-style (leftmost placement, unchanged base first): chr11-795002-GC-G. GRCh37 (hg19) VCF-style: chr11-795002-GC-G.
Other names: c.4del, p.Ala2fs (NM_001191060.2, NM_001425334.1, NM_001425335.1 and 9 more transcripts); c.-320del (NM_001425344.1); short protein forms A2fs.
Identifiers: ClinVar variation 3655302 (VCV003655302.2).

ClinVar aggregate classification (germline): Pathogenic (1 of 4 stars; one submission).

Conditions:
Early-infantile DEE. Also called: Ohtahara syndrome; Early infantile epileptic encephalopathy; Early infantile epileptic encephalopathy with suppression bursts. Identifiers: Orphanet 1934, MedGen C0393706, MONDO:0800491.

Submission:

Labcorp Genetics (formerly Invitae), Labcorp
Classification: Pathogenic for Early-infantile DEE. Last evaluated: 2024-06-02. Review status: criteria provided, single submitter. Criteria: Invitae Variant Classification Sherloc (09022015). Collection method: clinical testing. Allele origin: germline.
Comment: This sequence change creates a premature translational stop signal (p.Ala2Leufs*19) in the SLC25A22 gene. It is expected to result in an absent or disrupted protein product. Loss-of-function variants in SLC25A22 are known to be pathogenic (PMID: 15592994, 19780765). This variant is not present in population databases (gnomAD no frequency). This variant has not been reported in the literature in individuals affected with SLC25A22-related conditions. For these reasons, this variant has been classified as Pathogenic.

Literature cited by the submitters: PubMed 15592994; PubMed 19780765.